The following is an entry in ClinVar:

NM_001126121.2(SLC25A19):c.-38-18C>T

Gene: SLC25A19 (solute carrier family 25 member 19; minus strand). Cytogenetic location: 17q25.1.
Variant type: single nucleotide variant.
Coding change: c.-38-18C>T on transcript NM_001126121.2 (MANE Select); 18 bases into the intron before 38 bases upstream of the start codon, C replaced by T.
Molecular consequence: intron variant.
Genome position (GRCh38, 1-based): chr17:75,286,820, G>A on the plus strand (C>T on the coding strand, the complement: SLC25A19 is on the minus strand). VCF-style: chr17-75286820-G-A. GRCh37 (hg19) VCF-style: chr17-73282901-G-A.
Other names: c.-38-18C>T (NM_001126122.2, NM_021734.5).
Identifiers: ClinVar variation 507900 (VCV000507900.1), dbSNP rs530600925, ClinGen allele CA294011906.

ClinVar aggregate classification (germline): Likely benign (1 of 4 stars; one submission).

Allele frequency attached by ClinVar (database versions not stated): TOPMed 0.00011; gnomAD 0.00012 and 0.00011; gnomAD exomes 0.00015.

Submission:

GeneDx
Classification: Likely benign. Last evaluated: 2017-03-22. Review status: criteria provided, single submitter. Criteria: GeneDx Variant Classification (06012015). Collection method: clinical testing. Allele origin: germline. Affected: yes.
Comment: This variant is considered likely benign or benign based on one or more of the following criteria: it is a conservative change, it occurs at a poorly conserved position in the protein, it is predicted to be benign by multiple in silico algorithms, and/or has population frequency not consistent with disease.